The following is an entry in ClinVar:

NM_000051.4(ATM):c.8513A>G (p.Lys2838Arg)

Genes: ATM (ATM serine/threonine kinase; plus strand), C11orf65 (chromosome 11 open reading frame 65; minus strand). Cytogenetic location: 11q22.3.
Variant type: single nucleotide variant.
Coding change: c.8513A>G on transcript NM_000051.4 (MANE Select); coding-DNA position 8513, A replaced by G.
Protein change: p.Lys2838Arg; replaces lysine 2838 with arginine.
Molecular consequence: missense variant. On other transcripts: intron variant (2).
Genome position (GRCh38, 1-based): chr11:108,345,837, A>G. VCF-style: chr11-108345837-A-G. GRCh37 (hg19) VCF-style: chr11-108216564-A-G.
Other names: c.8513A>G, p.Lys2838Arg (NM_001351834.2); c.641-36766T>C (NM_001330368.2); c.695-10545T>C (NM_001351110.2); short protein forms K2838R.
Identifiers: ClinVar variation 861283 (VCV000861283.10), dbSNP rs2088287946, ClinGen allele CA382518266.

ClinVar aggregate classification (germline): Uncertain significance (1 of 4 stars; one submission).

Conditions:
Ataxia-telangiectasia syndrome (AT). Also called: ATAXIA-TELANGIECTASIA, COMPLEMENTATION GROUP A; ATAXIA-TELANGIECTASIA, FRESNO VARIANT; Ataxia-telangiectasia; Ataxia-telangiectasia, complementation group D; AT, COMPLEMENTATION GROUP C; Ataxia-telangiectasia, complementation group E. Identifiers: Orphanet 100, MedGen C0004135, MONDO:0008840, OMIM 208900.

Submission:

Labcorp Genetics (formerly Invitae), Labcorp
Classification: Uncertain significance for Ataxia-telangiectasia syndrome. Last evaluated: 2019-03-07. Review status: criteria provided, single submitter. Criteria: Invitae Variant Classification Sherloc (09022015). Collection method: clinical testing. Allele origin: germline.
Comment: In summary, the available evidence is currently insufficient to determine the role of this variant in disease. Therefore, it has been classified as a Variant of Uncertain Significance. Algorithms developed to predict the effect of sequence changes on RNA splicing suggest that this variant may create or strengthen a splice site, but this prediction has not been confirmed by published transcriptional studies. Algorithms developed to predict the effect of missense changes on protein structure and function (SIFT, PolyPhen-2, Align-GVGD) all suggest that this variant is likely to be tolerated, but these predictions have not been confirmed by published functional studies and their clinical significance is uncertain. This variant has not been reported in the literature in individuals with ATM-related conditions. This variant is not present in population databases (ExAC no frequency). This sequence change replaces lysine with arginine at codon 2838 of the ATM protein (p.Lys2838Arg). The lysine residue is moderately conserved and there is a small physicochemical difference between lysine and arginine.